The following is an entry in ClinVar:

ClinVar aggregate classification (germline): Uncertain significance. Review status: criteria provided, multiple submitters, no conflicts (2 of 4 stars). 2 submissions from 2 submitters: Uncertain significance (2). Last evaluated 2024-12-23.

Conditions:
Hypertrophic cardiomyopathy. Also called: HYPERTROPHIC MYOCARDIOPATHY. Identifiers: Orphanet 217569, MedGen C0007194, MeSH D002312, MONDO:0005045, HP:0001639.

Submissions (2):

Labcorp Genetics (formerly Invitae), Labcorp
Classification: Uncertain significance for Hypertrophic cardiomyopathy. Last evaluated: 2024-12-23. Review status: criteria provided, single submitter. Criteria: Invitae Variant Classification Sherloc (09022015). Collection method: clinical testing. Allele origin: germline.
Comment: This sequence change replaces arginine, which is basic and polar, with proline, which is neutral and non-polar, at codon 1260 of the MYH7 protein (p.Arg1260Pro). This variant is not present in population databases (gnomAD no frequency). This variant has not been reported in the literature in individuals affected with MYH7-related conditions. ClinVar contains an entry for this variant (Variation ID: 196008). Invitae Evidence Modeling of protein sequence and biophysical properties (such as structural, functional, and spatial information, amino acid conservation, physicochemical variation, residue mobility, and thermodynamic stability) has been performed for this missense variant. However, the output from this modeling did not meet the statistical confidence thresholds required to predict the impact of this variant on MYH7 protein function. In summary, the available evidence is currently insufficient to determine the role of this variant in disease. Therefore, it has been classified as a Variant of Uncertain Significance.

Eurofins Ntd Llc (ga)
Classification: Uncertain significance. Last evaluated: 2014-12-20. Review status: criteria provided, single submitter. Criteria: EGL Classification Definitions 2015. Collection method: clinical testing. Allele origin: germline. Observed: 1 variant allele, 1 heterozygote.

NM_000257.4(MYH7):c.3779G>C (p.Arg1260Pro)

Gene: MYH7 (myosin heavy chain 7; minus strand). Cytogenetic location: 14q11.2.
Variant type: single nucleotide variant.
Coding change: c.3779G>C on transcript NM_000257.4 (MANE Select); coding-DNA position 3779, G replaced by C.
Protein change: p.Arg1260Pro; replaces arginine 1260 with proline.
Molecular consequence: missense variant.
Genome position (GRCh38, 1-based): chr14:23,419,557, C>G on the plus strand (G>C on the coding strand, the complement: MYH7 is on the minus strand). VCF-style: chr14-23419557-C-G. GRCh37 (hg19) VCF-style: chr14-23888766-C-G.
Other names: short protein forms R1260P.
Identifiers: ClinVar variation 196008 (VCV000196008.12), dbSNP rs747308839, ClinGen allele CA014087.